The following is an entry in ClinVar:

NM_000540.3(RYR1):c.2618T>C (p.Leu873Pro)

Gene: RYR1 (ryanodine receptor 1; plus strand). Cytogenetic location: 19q13.2.
Variant type: single nucleotide variant.
Coding change: c.2618T>C on transcript NM_000540.3 (MANE Select); coding-DNA position 2618, T replaced by C.
Protein change: p.Leu873Pro; replaces leucine 873 with proline.
Molecular consequence: missense variant.
Genome position (GRCh38, 1-based): chr19:38,463,463, T>C. VCF-style: chr19-38463463-T-C. GRCh37 (hg19) VCF-style: chr19-38954103-T-C.
Other names: c.2618T>C, p.Leu873Pro (NM_001042723.2); short protein forms L873P.
Identifiers: ClinVar variation 478216 (VCV000478216.12), dbSNP rs1555772266, ClinGen allele CA405631907.

ClinVar aggregate classification (germline): Uncertain significance. Review status: criteria provided, multiple submitters, no conflicts (2 of 4 stars). 4 submissions from 4 submitters: Uncertain significance (4). Last evaluated 2025-03-25.

Conditions:
King Denborough syndrome (KDS). Identifiers: MedGen C1840365, MONDO:0020485, OMIM 619542.
Congenital myopathy with fiber type disproportion. Also called: Congenital fiber-type disproportion myopathy; Congenital fiber-type disproportion. Identifiers: Orphanet 2020, MedGen C0546264, MONDO:0009711. Inheritance: all.
Central core myopathy (CMYO1A). Also called: Central core disease; Myopathy, central fibrillar; CONGENITAL MYOPATHY 1A, AUTOSOMAL DOMINANT, WITH SUSCEPTIBILITY TO MALIGNANT HYPERTHERMIA. Identifiers: Orphanet 597, MedGen C5830701, MONDO:0007294, OMIM 117000.
Malignant hyperthermia, susceptibility to, 1 (MHS1). Also called: Anesthesia related hyperthermia; Malignant hyperpyrexia; Fulminating hyperpyrexia; Pharmacogenic myopathy; Malignant hyperthermia suceptibility 1; RYR1-Related Malignant Hyperthermia Susceptibility. Identifiers: Orphanet 423, MedGen C2930980, MONDO:0007783, OMIM 145600.
Congenital multicore myopathy with external ophthalmoplegia (CMYO1B). Also called: Minicore myopathy with external ophthalmoplegia; MULTICORE MYOPATHY; Congenital myopathy 1B, autosomal recessive; Minicore myopathy; MULTIMINICORE DISEASE WITH EXTERNAL OPHTHALMOPLEGIA. Identifiers: Orphanet 598, Orphanet 98905, MedGen C1850674, MONDO:0009712, OMIM 255320, HP:0003789.
RYR1-related disorder. Also called: RYR1-related condition; RYR1-related disorders. Identifiers: MedGen CN239331.

Submissions (4):

GeneDx
Classification: Uncertain significance. Last evaluated: 2025-03-25. Review status: criteria provided, single submitter. Criteria: GeneDx Variant Classification Process June 2021. Collection method: clinical testing. Allele origin: germline. Affected: yes.
Comment: Not observed at significant frequency in large population cohorts (gnomAD); In silico analysis supports that this missense variant has a deleterious effect on protein structure/function; Has not been previously published as pathogenic or benign to our knowledge

All of Us Research Program, National Institutes of Health
Classification: Uncertain significance for Malignant hyperthermia, susceptibility to, 1. Last evaluated: 2023-08-15. Review status: criteria provided, single submitter. Criteria: ACMG Guidelines, 2015. Collection method: clinical testing. Allele origin: germline. Inheritance: Autosomal dominant inheritance. Observed: 1 variant allele, 1 heterozygote.
Comment: This study involves interpretation of variants in research participants for the purpose of population health screening. Participant phenotype was not available at the time of variant classification. Additional details can be found in publication PMID: 35346344, PMCID: PMC8962531

Fulgent Genetics
Classification: Uncertain significance for Central core myopathy; Malignant hyperthermia, susceptibility to, 1; Congenital myopathy 4A, autosomal dominant; Congenital multicore myopathy with external ophthalmoplegia; King Denborough syndrome. Last evaluated: 2021-09-13. Review status: criteria provided, single submitter. Criteria: ACMG Guidelines, 2015. Collection method: clinical testing. Allele origin: unknown.

Labcorp Genetics (formerly Invitae), Labcorp
Classification: Uncertain significance for RYR1-related disorder. Last evaluated: 2018-05-03. Review status: criteria provided, single submitter. Criteria: Invitae Variant Classification Sherloc (09022015). Collection method: clinical testing. Allele origin: germline.
Comment: This sequence change replaces leucine with proline at codon 873 of the RYR1 protein (p.Leu873Pro). The leucine residue is highly conserved and there is a moderate physicochemical difference between leucine and proline. This variant is not present in population databases (ExAC no frequency). This variant has not been reported in the literature in individuals with RYR1-related disease. Algorithms developed to predict the effect of missense changes on protein structure and function do not agree on the potential impact of this missense change (SIFT: "Deleterious"; PolyPhen-2: "Probably Damaging"; Align-GVGD: "Class C0"). In summary, the available evidence is currently insufficient to determine the role of this variant in disease. Therefore, it has been classified as a Variant of Uncertain Significance.